The following is an entry in ClinVar:

NM_000051.4(ATM):c.5358_5377dup (p.Asn1793delinsMetLysAlaTrpMetIleTer)

Gene: ATM (ATM serine/threonine kinase; plus strand). Cytogenetic location: 11q22.3.
Variant type: Duplication.
Coding change: c.5358_5377dup on transcript NM_000051.4 (MANE Select); coding-DNA positions 5358 to 5377, 20 bases duplicated (TGAAGGCCTGGATGATATAA).
Protein change: p.Asn1793delinsMetLysAlaTrpMetIleTer.
Molecular consequence: nonsense.
Genome position (GRCh38, 1-based): chr11:108,302,891-108,302,910, TGAAGGCCTGGATGATATAA duplicated. VCF-style (leftmost placement, unchanged base first): chr11-108302890-T-TTGAAGGCCTGGATGATATAA. GRCh37 (hg19) VCF-style: chr11-108173617-T-TTGAAGGCCTGGATGATATAA.
Other names: c.5358_5377dup, p.Asn1793delinsMetLysAlaTrpMetIleTer (NM_001351834.2).
Identifiers: ClinVar variation 3148040 (VCV003148040.1), dbSNP rs2546979242, ClinGen allele CA2825001894.

ClinVar aggregate classification (germline): Pathogenic (1 of 4 stars; one submission).

Conditions:
Familial cancer of breast. Also called: BREAST CANCER, FAMILIAL; Hereditary breast cancer; hereditary breast carcinoma. Identifiers: Orphanet 227535, MedGen C0346153, MONDO:0016419, OMIM 114480. Disease mechanism: loss of function.

Submission:

Myriad Genetics, Inc.
Classification: Pathogenic for Familial cancer of breast. Last evaluated: 2024-01-25. Review status: criteria provided, single submitter. Criteria: Myriad Autosomal Dominant, Autosomal Recessive and X-Linked Classification Criteria (2023). Collection method: clinical testing. Allele origin: unknown.
Comment: This variant is considered pathogenic. This variant creates a frameshift predicted to result in premature protein truncation.